The following is an entry in ClinVar:

ClinVar aggregate classification (germline): Likely pathogenic (1 of 4 stars; one submission).

Conditions:
Joubert syndrome 39 (JBTS39). Identifiers: MedGen C5562000, MONDO:0030454, OMIM 619562.

Allele frequency attached by ClinVar (database versions not stated): gnomAD exomes below 0.00001.

Submission:

SIB Swiss Institute of Bioinformatics
Classification: Likely pathogenic for Joubert syndrome 39. Last evaluated: 2022-04-20. Review status: criteria provided, single submitter. Criteria: ACMG Guidelines, 2015. Collection method: curation. Allele origin: unknown.
Comment: This variant is interpreted as likely pathogenic for Joubert syndrome 39, autosomal recessive. The following ACMG Tag(s) were applied: Absent from controls (or at extremely low frequency if recessive) in Exome Sequencing Project, 1000 Genomes Project, or Exome Aggregation Consortium (PM2); Well-established functional studies show a deleterious effect (PS3).

Literature cited by the submitters: PubMed 35137054.

NM_001258244.2(TMEM218):c.111G>T (p.Arg37Ser)

Gene: TMEM218 (transmembrane protein 218; minus strand). Cytogenetic location: 11q24.2.
Variant type: single nucleotide variant.
Coding change: c.111G>T on transcript NM_001258244.2 (MANE Select); coding-DNA position 111, G replaced by T.
Protein change: p.Arg37Ser; replaces arginine 37 with serine.
Molecular consequence: missense variant. On other transcripts: non-coding transcript variant (8), intron variant (5).
Genome position (GRCh38, 1-based): chr11:125,101,303, C>A on the plus strand (G>T on the coding strand, the complement: TMEM218 is on the minus strand). VCF-style: chr11-125101303-C-A. GRCh37 (hg19) VCF-style: chr11-124971199-C-A.
Other names: c.111G>T, p.Arg37Ser (NM_001387241.1, NM_001387242.1, NM_001387244.1 and 25 more transcripts); c.189G>T, p.Arg63Ser (NM_001387249.1); c.30G>T, p.Arg10Ser (NM_001387250.1, NM_001387251.1, NM_001387252.1 and 2 more transcripts); c.216-47G>T (NM_001387255.1, NM_001387258.1, NM_001387257.1 and 2 more transcripts); short protein forms R10S, R37S, R63S.
Identifiers: ClinVar variation 1677283 (VCV001677283.1), dbSNP rs1248550491, ClinGen allele CA383169384.